The following is an entry in ClinVar:

ClinVar aggregate classification (germline): Conflicting classifications of pathogenicity. Review status: criteria provided, conflicting classifications (1 of 4 stars). 4 submissions from 4 submitters: Uncertain significance (2); Likely benign (1). 1 of the submissions does not count toward it. Last evaluated 2026-01-26.

Conditions:
COL4A3-related disorder. Also called: COL4A3-Related Disorders; COL4A3-related condition.
Autosomal dominant Alport syndrome (ATS3A). Also called: Alport syndrome dominant type; Renal failure and sensorineural hearing loss; ALPORT SYNDROME 3A, AUTOSOMAL DOMINANT. Identifiers: Orphanet 63, Orphanet 88918, MedGen C5882663, MONDO:0007086, OMIM 104200.

Allele frequency attached by ClinVar (database versions not stated): ExAC 0.00007; TOPMed 0.00007; 1000 Genomes Project 30x 0.00016; gnomAD 0.00016; 1000 Genomes Project 0.00020.

Submissions (4):

Labcorp Genetics (formerly Invitae), Labcorp
Classification: Likely benign. Last evaluated: 2026-01-26. Review status: criteria provided, single submitter. Criteria: Invitae Variant Classification Sherloc (09022015). Collection method: clinical testing. Allele origin: germline.

GeneDx
Classification: Uncertain significance. Last evaluated: 2025-05-08. Review status: criteria provided, single submitter. Criteria: GeneDx Variant Classification Process June 2021. Collection method: clinical testing. Allele origin: germline. Affected: yes.
Comment: In silico analysis supports that this missense variant has a deleterious effect on protein structure/function; Occurs in the triple helical domain at the X position in the canonical Gly-X-Y repeat; although this variant may have an effect on normal protein folding and function, missense substitution at the X position is not a common mechanism of disease; Has not been previously published as pathogenic or benign to our knowledge

PreventionGenetics, part of Exact Sciences
Classification: Uncertain significance for COL4A3-related condition. Last evaluated: 2024-11-01. Review status: criteria provided, single submitter. Criteria: ACMG Guidelines, 2015. Collection method: clinical testing. Allele origin: germline.
Comment: The COL4A3 c.1310C>T variant is predicted to result in the amino acid substitution p.Pro437Leu. To our knowledge, this variant has not been reported in the literature. This variant is reported in 0.039% of alleles in individuals of Ashkenazi Jewish descent in gnomAD. At this time, the clinical significance of this variant is uncertain due to the absence of conclusive functional and genetic evidence.

Bioscientia Institut fuer Medizinische Diagnostik GmbH, Sonic Healthcare
Classification: Uncertain significance for Autosomal dominant Alport syndrome. Last evaluated: 2019-11-20. Review status: no assertion criteria provided. Collection method: clinical testing. Allele origin: germline. Affected: yes. Not counted in ClinVar's aggregate classification.

NM_000091.5(COL4A3):c.1310C>T (p.Pro437Leu)

Genes: COL4A3 (collagen type IV alpha 3 chain; plus strand), MFF-DT (MFF divergent transcript; minus strand). Cytogenetic location: 2q36.3.
Variant type: single nucleotide variant.
Coding change: c.1310C>T on transcript NM_000091.5 (MANE Select); coding-DNA position 1310, C replaced by T.
Protein change: p.Pro437Leu; replaces proline 437 with leucine.
Molecular consequence: missense variant.
Genome position (GRCh38, 1-based): chr2:227,263,939, C>T. VCF-style: chr2-227263939-C-T. GRCh37 (hg19) VCF-style: chr2-228128655-C-T.
Other names: short protein forms P437L.
Identifiers: ClinVar variation 829921 (VCV000829921.15), dbSNP rs148686474, ClinGen allele CA2146599.